The following is an entry in ClinVar:

ClinVar aggregate classification (germline): Pathogenic (1 of 4 stars; one submission).

Submission:

GeneDx
Classification: Pathogenic. Last evaluated: 2020-12-17. Review status: criteria provided, single submitter. Criteria: GeneDx Variant Classification Process June 2021. Collection method: clinical testing. Allele origin: germline. Affected: yes.
Comment: Frameshift variant predicted to result in protein truncation or nonsense-mediated decay in a gene for which loss-of-function is a known mechanism of disease; Not observed in large population cohorts (Lek et al., 2016); Has not been previously published as pathogenic or benign to our knowledge

NM_000548.5(TSC2):c.3452del (p.Gly1151fs)

Gene: TSC2 (TSC complex subunit 2; plus strand). Cytogenetic location: 16p13.3.
Variant type: Deletion.
Coding change: c.3452del on transcript NM_000548.5 (MANE Select); coding-DNA position 3452, one base deleted (G; older notation c.3452delG).
Protein change: p.Gly1151fs; shifts the reading frame from glycine 1151.
Molecular consequence: frameshift variant.
Genome position (GRCh38, 1-based): chr16:2,080,219, G deleted; the last of 3 consecutive G bases (chr16:2,080,217-2,080,219); deleting any one gives the same sequence. VCF-style (leftmost placement, unchanged base first): chr16-2080216-TG-T. GRCh37 (hg19) VCF-style: chr16-2130217-TG-T.
Other names: c.3452delG (NM_000548.3); c.3320del, p.Gly1107fs (NM_001077183.3, NM_001370404.1); c.3452del, p.Gly1151fs (NM_001114382.3); c.3212del, p.Gly1071fs (NM_001318827.2); c.3176del, p.Gly1059fs (NM_001318829.2); c.2720del, p.Gly907fs (NM_001318831.2); c.3353del, p.Gly1118fs (NM_001318832.2); c.3323del, p.Gly1108fs (NM_001363528.2, NM_001370405.1, NM_021055.3); short protein forms G1071fs, G1118fs, G1059fs, G1107fs, G1108fs, G1151fs, G907fs.
Identifiers: ClinVar variation 429503 (VCV000429503.3), dbSNP rs1131691419, ClinGen allele CA645369668.